The following is an entry in ClinVar:

ClinVar aggregate classification (germline): Likely benign. Review status: criteria provided, single submitter (1 of 4 stars). 4 submissions from 4 submitters: Likely benign (1). 3 of the submissions do not count toward it. Last evaluated 2025-05-25.

Conditions:
SLC12A3-related disorder. Also called: SLC12A3-related condition.
Familial hypokalemia-hypomagnesemia (GTLMNS). Also called: POTASSIUM AND MAGNESIUM DEPLETION; gitelman syndrome; HYPOMAGNESEMIA-HYPOKALEMIA, PRIMARY RENOTUBULAR, WITH HYPOCALCIURIA. Identifiers: Orphanet 358, MedGen C0268450, MONDO:0009904, OMIM 263800.

Allele frequency attached by ClinVar (database versions not stated): gnomAD exomes 0.00010 and 0.00009; gnomAD 0.00009 and 0.00008; TOPMed 0.00009; ExAC 0.00012.
gnomAD v4.1: 159 of 1,614,194 alleles (0.0099%); highest among the groups gnomAD compares: Middle Eastern, 0.2%; no homozygotes.

Submissions (4):

Labcorp Genetics (formerly Invitae), Labcorp
Classification: Likely benign. Last evaluated: 2025-05-25. Review status: criteria provided, single submitter. Criteria: Invitae Variant Classification Sherloc (09022015). Collection method: clinical testing. Allele origin: germline.

Natera, Inc.
Classification: Likely benign for Gitelman syndrome. Last evaluated: 2020-08-01. Review status: no assertion criteria provided. Collection method: clinical testing. Allele origin: germline. Not counted in ClinVar's aggregate classification.

PreventionGenetics, part of Exact Sciences
Classification: Likely benign for SLC12A3-related condition. Last evaluated: 2019-03-06. Review status: no assertion criteria provided. Collection method: clinical testing. Allele origin: germline. Not counted in ClinVar's aggregate classification.
Comment: This variant is classified as likely benign based on ACMG/AMP sequence variant interpretation guidelines (Richards et al. 2015 PMID: 25741868, with internal and published modifications).

Martin Pollak Laboratory,  Beth Israel Deaconess Medical Center
Classification: Uncertain significance. Review status: no assertion criteria provided. Collection method: not provided. Allele origin: unknown. Not counted in ClinVar's aggregate classification.
Comment: Higher UCa2+ group
ClinVar note: Converted during submission from unknown to Uncertain significance.

NM_001126108.2(SLC12A3):c.1710G>A (p.Ala570=)

Gene: SLC12A3 (solute carrier family 12 member 3; plus strand). Cytogenetic location: 16q13.
Variant type: single nucleotide variant.
Coding change: c.1710G>A on transcript NM_001126108.2 (MANE Select); coding-DNA position 1710, G replaced by A.
Protein change: p.Ala570=; no amino-acid change (alanine 570 retained).
Molecular consequence: synonymous variant.
Genome position (GRCh38, 1-based): chr16:56,884,089, G>A. VCF-style: chr16-56884089-G-A. GRCh37 (hg19) VCF-style: chr16-56918001-G-A.
Other names: c.1710G>A, p.Ala570= (NM_000339.3); c.1707G>A, p.Ala569= (NM_001126107.2).
Identifiers: ClinVar variation 64415 (VCV000064415.15), dbSNP rs387907471, ClinGen allele CA216092.